The following is an entry in ClinVar:

NM_006618.5(KDM5B):c.2016+1G>A

Gene: KDM5B (lysine demethylase 5B; minus strand). Cytogenetic location: 1q32.1.
Variant type: single nucleotide variant.
Coding change: c.2016+1G>A on transcript NM_006618.5 (MANE Select); the canonical splice donor site of the intron after coding-DNA position 2016, G replaced by A.
Molecular consequence: splice donor variant.
Genome position (GRCh38, 1-based): chr1:202,748,944, C>T on the plus strand (G>A on the coding strand, the complement: KDM5B is on the minus strand). VCF-style: chr1-202748944-C-T. GRCh37 (hg19) VCF-style: chr1-202718072-C-T.
Other names: c.2001+1G>A (NM_001399817.1); c.1881+1G>A (NM_001347591.2); c.2124+1G>A (NM_001314042.2); c.2016+1G>A (NM_006618.4).
Identifiers: ClinVar variation 3777134 (VCV003777134.1).
Genomic context (GRCh38, chr1:202,748,944, plus strand): 5'-GTAAAAATTTTACTAAATAATACCCAATGACAACATGCAGTTGGATTTCCATAAGCCTTA[C>T]CAATTTACGGACAGTTTCTCTTAAAGCTTTCTCATCCTCAATCATAATGGCCATGTCTTT-3'

ClinVar aggregate classification (germline): Likely pathogenic (1 of 4 stars; one submission).

Conditions:
Intellectual developmental disorder, autosomal recessive 65. Also called: MENTAL RETARDATION, AUTOSOMAL RECESSIVE 65; Intellectual disability, autosomal recessive 65. Identifiers: MedGen C4748219, MONDO:0020850, OMIM 618109.

Submission:

University of Washington Department of Laboratory Medicine, University of Washington
Classification: Likely pathogenic for Intellectual developmental disorder, autosomal recessive 65. Last evaluated: 2023-11-02. Review status: criteria provided, single submitter. Criteria: ACMG Guidelines, 2015. Collection method: clinical testing. Allele origin: paternal. Affected: yes.
Comment: The c.2016+1G>A variant in the KDM5B gene has not been previously reported in association with disease. This variant was absent from large population databases, including the Genome Aggregation Database. The c.2016+1G>A variant alters the canonical donor splice site in intron 14, which is predicted to result in abnormal gene splicing. These predictions have not been tested directly. Biallelic loss of the KDM5B gene’s function is an established mechanism of disease. Using ACMG guidelines, this variant was classified as likely pathogenic for autosomal recessive KDM5B-related neurodevelopmental disorder (ACMG evidence codes used: PVS1, PM2_supporting).